The following is an entry in ClinVar:

ClinVar aggregate classification (germline): Benign. Review status: criteria provided, single submitter (1 of 4 stars). 2 submissions from 2 submitters: Benign (1). 1 of the submissions does not count toward it. Last evaluated 2018-12-07.

Conditions:
KDR-related disorder. Also called: KDR-related condition.

Allele frequency attached by ClinVar (database versions not stated): TOPMed 0.00016; ExAC 0.00022; gnomAD 0.00022; gnomAD exomes 0.00029; 1000 Genomes Project 30x 0.00125; 1000 Genomes Project 0.00160.
gnomAD v4.1: 181 of 1,613,540 alleles (0.011%); highest among the groups gnomAD compares: East Asian, 0.27%; 1 homozygote.

Submissions (2):

Labcorp Genetics (formerly Invitae), Labcorp
Classification: Benign. Last evaluated: 2018-12-07. Review status: criteria provided, single submitter. Criteria: Invitae Variant Classification Sherloc (09022015). Collection method: clinical testing. Allele origin: germline.

PreventionGenetics, part of Exact Sciences
Classification: Likely benign for KDR-related condition. Last evaluated: 2019-02-28. Review status: no assertion criteria provided. Collection method: clinical testing. Allele origin: germline. Not counted in ClinVar's aggregate classification.
Comment: This variant is classified as likely benign based on ACMG/AMP sequence variant interpretation guidelines (Richards et al. 2015 PMID: 25741868, with internal and published modifications).

NM_002253.4(KDR):c.1029G>A (p.Thr343=)

Gene: KDR (kinase insert domain receptor; minus strand). Cytogenetic location: 4q12.
Variant type: single nucleotide variant.
Coding change: c.1029G>A on transcript NM_002253.4 (MANE Select); coding-DNA position 1029, G replaced by A.
Protein change: p.Thr343=; no amino-acid change (threonine 343 retained).
Molecular consequence: synonymous variant.
Genome position (GRCh38, 1-based): chr4:55,110,716, C>T on the plus strand (G>A on the coding strand, the complement: KDR is on the minus strand). VCF-style: chr4-55110716-C-T. GRCh37 (hg19) VCF-style: chr4-55976883-C-T.
Identifiers: ClinVar variation 697203 (VCV000697203.5), dbSNP rs201075093, ClinGen allele CA2924838.
Genomic context (GRCh38, chr4:55,110,716, plus strand): 5'-TTTTATTTCTGGGGGTGGGTAACCAAGGTACTTCGCAGGGATTCTGACACGCTCCCCCAC[C>T]GTGGCTTCCACCAGAGATTCCATGCCACTTCCAAAAGCAACAAAAGGTTTTTCTGGAAGA-3'
Protein context (NP_002244.1, residues 333-353): GSGMESLVEA[Thr343=]VGERVRIPAK